The following is an entry in ClinVar:

NM_004055.5(CAPN5):c.265T>C (p.Ser89Pro)

Gene: CAPN5 (calpain 5; plus strand). Cytogenetic location: 11q13.5.
Variant type: single nucleotide variant.
Coding change: c.265T>C on transcript NM_004055.5 (MANE Select); coding-DNA position 265, T replaced by C.
Protein change: p.Ser89Pro; replaces serine 89 with proline.
Molecular consequence: missense variant.
Genome position (GRCh38, 1-based): chr11:77,093,781, T>C. VCF-style: chr11-77093781-T-C. GRCh37 (hg19) VCF-style: chr11-76804827-T-C.
Other names: short protein forms S89P.
Identifiers: ClinVar variation 1978484 (VCV001978484.4), dbSNP rs2496213399, ClinGen allele CA381931484.

ClinVar aggregate classification (germline): Uncertain significance (1 of 4 stars; one submission).

Allele frequency attached by ClinVar (database versions not stated): gnomAD exomes below 0.00001.
gnomAD v4.1: 4 of 1,611,956 alleles (0.00025%); highest among the groups gnomAD compares: Non-Finnish European, 0.00034%; no homozygotes.

Submission:

Labcorp Genetics (formerly Invitae), Labcorp
Classification: Uncertain significance. Last evaluated: 2023-10-03. Review status: criteria provided, single submitter. Criteria: Invitae Variant Classification Sherloc (09022015). Collection method: clinical testing. Allele origin: germline.
Comment: This sequence change replaces serine, which is neutral and polar, with proline, which is neutral and non-polar, at codon 89 of the CAPN5 protein (p.Ser89Pro). This variant is not present in population databases (gnomAD no frequency). This variant has not been reported in the literature in individuals affected with CAPN5-related conditions. ClinVar contains an entry for this variant (Variation ID: 1978484). Advanced modeling of protein sequence and biophysical properties (such as structural, functional, and spatial information, amino acid conservation, physicochemical variation, residue mobility, and thermodynamic stability) performed at Invitae indicates that this missense variant is expected to disrupt CAPN5 protein function. In summary, the available evidence is currently insufficient to determine the role of this variant in disease. Therefore, it has been classified as a Variant of Uncertain Significance.